The following is an entry in ClinVar:

NM_001350451.2(RBFOX3):c.222G>C (p.Pro74=)

Gene: RBFOX3 (RNA binding fox-1 homolog 3; minus strand). Cytogenetic location: 17q25.3.
Variant type: single nucleotide variant.
Coding change: c.222G>C on transcript NM_001350451.2 (MANE Select); coding-DNA position 222, G replaced by C.
Protein change: p.Pro74=; no amino-acid change (proline 74 retained).
Molecular consequence: synonymous variant.
Genome position (GRCh38, 1-based): chr17:79,115,494, C>G on the plus strand (G>C on the coding strand, the complement: RBFOX3 is on the minus strand). VCF-style: chr17-79115494-C-G. GRCh37 (hg19) VCF-style: chr17-77111576-C-G.
Other names: c.222G>C, p.Pro74= (NM_001082575.3, NM_001350453.2, NM_001385804.1 and 43 more transcripts).
Identifiers: ClinVar variation 1365686 (VCV001365686.8), dbSNP rs1037097785, ClinGen allele CA502141001.
Genomic context (GRCh38, chr17:79,115,494, plus strand): 5'-CTGGGTGGGTGCTCCTCCCTGAAGCTCCAGGGCTGGGCCTGGGGTCGTGGGGGCCCTTAC[C>G]GGCACTGTCTGGGTCCCGGCGATGGGCTGTGTGCTGGCCTCGGAGCCTGGCTGCTCGGGG-3'
Protein context (NP_001337380.1, residues 64-84): TQPIAGTQTV[Pro74=]QTDEAAQTDS

ClinVar aggregate classification (germline): Uncertain significance (1 of 4 stars; one submission).

Conditions:
Idiopathic generalized epilepsy. Also called: EIG; Generalised epilepsy. Identifiers: MedGen C0270850, MONDO:0005579, OMIM 600669.

gnomAD v4.1: 6 of 1,326,314 alleles (0.00045%); highest among the groups gnomAD compares: Non-Finnish European, 0.00048%; no homozygotes.

Submission:

Labcorp Genetics (formerly Invitae), Labcorp
Classification: Uncertain significance for Idiopathic generalized epilepsy. Last evaluated: 2025-06-02. Review status: criteria provided, single submitter. Criteria: Invitae Variant Classification Sherloc (09022015). Collection method: clinical testing. Allele origin: germline.
Comment: This sequence change affects codon 74 of the RBFOX3 mRNA. It is a 'silent' change, meaning that it does not change the encoded amino acid sequence of the RBFOX3 protein. This variant also falls at the last nucleotide of exon 5, which is part of the consensus splice site for this exon. This variant is not present in population databases (gnomAD no frequency). This variant has not been reported in the literature in individuals affected with RBFOX3-related conditions. ClinVar contains an entry for this variant (Variation ID: 1365686). Variants that disrupt the consensus splice site are a relatively common cause of aberrant splicing (PMID: 17576681, 9536098). Algorithms developed to predict the effect of sequence changes on RNA splicing suggest that this variant may disrupt the consensus splice site. In summary, the available evidence is currently insufficient to determine the role of this variant in disease. Therefore, it has been classified as a Variant of Uncertain Significance.

Literature cited by the submitters: PubMed 17576681; PubMed 9536098.